The following is an entry in ClinVar:

ClinVar aggregate classification (germline): Likely pathogenic. Review status: criteria provided, multiple submitters, no conflicts (2 of 4 stars). 2 submissions from 2 submitters: Likely pathogenic (2). Last evaluated 2025-12-15.

Conditions:
Marfan syndrome (MFS). Also called: Marfan syndrome type 1; Marfan's syndrome; FBN1-Related Marfan Syndrome; MARFAN SYNDROME, TYPE I; Marfan syndrome, classic. Identifiers: Orphanet 284963, Orphanet 558, MedGen C0024796, MONDO:0007947, OMIM 154700.

Submissions (2):

3billion
Classification: Likely pathogenic for Marfan syndrome. Last evaluated: 2025-12-15. Review status: criteria provided, single submitter. Criteria: ACMG Guidelines, 2015. Collection method: clinical testing. Allele origin: germline. Affected: yes.
Comment: The variant is not observed in the gnomAD v4.1.0 dataset. Predicted Consequence/Location: Missense variant In silico tool predictions suggest damaging effect of the variant on gene or gene product [REVEL: 0.97 (>=0.6, sensitivity 0.68 and specificity 0.92); 3Cnet: 0.87 (> 0.75, sensitivity 0.96 and precision 0.92)]. The same nucleotide change resulting in the same amino acid change has been previously reported to be associated with FBN1-related disorder (ClinVar ID: VCV001343365/PMID: 31730815).Different missense changes at the same codon (p.Asp723Ala, p.Asp723Asn, p.Asp723Tyr, p.Asp723Val) have been reported as pathogenic/likely pathogenic with strong evidence (ClinVar ID: VCV000016433, VCV000549067/PMID: 12203987, 20538085, 27906200, 8406497). Therefore, this variant is classified as Likely pathogenic according to the recommendation of ACMG/AMP guideline.

Mayo Clinic Laboratories, Mayo Clinic
Classification: Likely pathogenic. Last evaluated: 2021-09-10. Review status: criteria provided, single submitter. Criteria: ACMG Guidelines, 2015. Collection method: clinical testing. Allele origin: germline.
Comment: PP2, PP3, PM1, PM2

Literature cited by the submitters: PubMed 31730815 (cited by 3billion and Mayo Clinic Laboratories, Mayo Clinic); PubMed 12203987 (cited by 3billion).

NM_000138.5(FBN1):c.2168A>G (p.Asp723Gly)

Gene: FBN1 (fibrillin 1; minus strand). Cytogenetic location: 15q21.1.
Variant type: single nucleotide variant.
Coding change: c.2168A>G on transcript NM_000138.5 (MANE Select); coding-DNA position 2168, A replaced by G.
Protein change: p.Asp723Gly; replaces aspartic acid 723 with glycine.
Molecular consequence: missense variant.
Genome position (GRCh38, 1-based): chr15:48,497,391, T>C on the plus strand (A>G on the coding strand, the complement: FBN1 is on the minus strand). VCF-style: chr15-48497391-T-C. GRCh37 (hg19) VCF-style: chr15-48789588-T-C.
Other names: p.Asp723Gly; short protein forms D723G.
Identifiers: ClinVar variation 1343365 (VCV001343365.5), dbSNP rs137854463, ClinGen allele CA392335948.